The following is an entry in ClinVar:

ClinVar aggregate classification (germline): Uncertain significance (1 of 4 stars; one submission).

Conditions:
Left ventricular noncompaction 1 (LVNC1). Also called: LEFT VENTRICULAR NONCOMPACTION 1 WITH OR WITHOUT CONGENITAL HEART DEFECTS. Identifiers: Orphanet 54260, MedGen C1858725, MONDO:0011403, OMIM 604169.

Allele frequency attached by ClinVar (database versions not stated): gnomAD 0.00001; TOPMed 0.00001; ExAC 0.00002; gnomAD exomes 0.00002.
gnomAD v4.1: 13 of 1,614,072 alleles (0.00081%); highest among the groups gnomAD compares: Admixed American, 0.022%; no homozygotes.

Submission:

Labcorp Genetics (formerly Invitae), Labcorp
Classification: Uncertain significance for Left ventricular noncompaction 1. Last evaluated: 2023-04-09. Review status: criteria provided, single submitter. Criteria: Invitae Variant Classification Sherloc (09022015). Collection method: clinical testing. Allele origin: germline.
Comment: In summary, the available evidence is currently insufficient to determine the role of this variant in disease. Therefore, it has been classified as a Variant of Uncertain Significance. An algorithm developed to predict the effect of missense changes on protein structure and function (PolyPhen-2) suggests that this variant is likely to be tolerated. This variant has not been reported in the literature in individuals affected with DTNA-related conditions. This variant is present in population databases (rs774404741, gnomAD 0.02%). This sequence change replaces phenylalanine, which is neutral and non-polar, with leucine, which is neutral and non-polar, at codon 605 of the DTNA protein (p.Phe605Leu).

NM_001386795.1(DTNA):c.1896T>A (p.Phe632Leu)

Gene: DTNA (dystrobrevin alpha; plus strand). Cytogenetic location: 18q12.1.
Variant type: single nucleotide variant.
Coding change: c.1896T>A on transcript NM_001386795.1 (MANE Select); coding-DNA position 1896, T replaced by A.
Protein change: p.Phe632Leu; replaces phenylalanine 632 with leucine.
Molecular consequence: missense variant.
Genome position (GRCh38, 1-based): chr18:34,875,391, T>A. VCF-style: chr18-34875391-T-A. GRCh37 (hg19) VCF-style: chr18-32455355-T-A.
Other names: c.1656T>A, p.Phe552Leu (NM_001198939.2); c.1635T>A, p.Phe545Leu (NM_001198940.2, NM_001386753.1, NM_001198938.2 and 5 more transcripts); c.942T>A, p.Phe314Leu (NM_001198942.1); c.885T>A, p.Phe295Leu (NM_001198943.1); c.771T>A, p.Phe257Leu (NM_001198944.1); c.1725T>A, p.Phe575Leu (NM_001386754.1, NM_001386755.1, NM_001386756.1 and 3 more transcripts); c.1722T>A, p.Phe574Leu (NM_001386760.1); c.1644T>A, p.Phe548Leu (NM_001386761.1, NM_032975.4); and 5 more; short protein forms F545L, F547L, F253L, F257L, F295L, F314L, F552L, F544L.
Identifiers: ClinVar variation 2962722 (VCV002962722.3), dbSNP rs774404741, ClinGen allele CA8935869.